The following is an entry in ClinVar:

ClinVar aggregate classification (germline): Uncertain significance (1 of 4 stars; one submission).

Conditions:
Familial thoracic aortic aneurysm and aortic dissection (TAAD). Also called: Thoracic aortic aneurysms and dissections. Identifiers: Orphanet 91387, MedGen C4707243, MONDO:0019625.

Allele frequency attached by ClinVar (database versions not stated): gnomAD exomes below 0.00001; ExAC 0.00001; gnomAD 0.00001.
gnomAD v4.1: 2 of 1,614,076 alleles (0.00012%); highest among the groups gnomAD compares: Non-Finnish European, 0.00017%; no homozygotes.

Submission:

Labcorp Genetics (formerly Invitae), Labcorp
Classification: Uncertain significance for Familial thoracic aortic aneurysm and aortic dissection. Last evaluated: 2025-12-02. Review status: criteria provided, single submitter. Criteria: Invitae Variant Classification Sherloc (09022015). Collection method: clinical testing. Allele origin: germline.
Comment: This sequence change replaces glutamine, which is neutral and polar, with histidine, which is basic and polar, at codon 444 of the TGFBR2 protein (p.Gln444His). This variant is present in population databases (rs775637046, gnomAD 0.0009%). This missense change has been observed in individual(s) with clinical features of autosomal dominant TGFBR2-related conditions (internal data). ClinVar contains an entry for this variant (Variation ID: 2788355). Invitae Evidence Modeling of protein sequence and biophysical properties (such as structural, functional, and spatial information, amino acid conservation, physicochemical variation, residue mobility, and thermodynamic stability) has been performed for this missense variant. However, the output from this modeling did not meet the statistical confidence thresholds required to predict the impact of this variant on TGFBR2 protein function. This variant disrupts the p.Gln444 amino acid residue in TGFBR2. Other variant(s) that disrupt this residue have been observed in individuals with TGFBR2-related conditions (PMID: 19816028, 37116669), which suggests that this may be a clinically significant amino acid residue. In summary, the available evidence is currently insufficient to determine the role of this variant in disease. Therefore, it has been classified as a Variant of Uncertain Significance.

Literature cited by the submitters: PubMed 19816028; PubMed 37116669.

NM_003242.6(TGFBR2):c.1332G>T (p.Gln444His)

Gene: TGFBR2 (transforming growth factor beta receptor 2; plus strand). Cytogenetic location: 3p24.1.
Variant type: single nucleotide variant.
Coding change: c.1332G>T on transcript NM_003242.6 (MANE Select); coding-DNA position 1332, G replaced by T.
Protein change: p.Gln444His; replaces glutamine 444 with histidine.
Molecular consequence: missense variant. On other transcripts: intron variant (1).
Genome position (GRCh38, 1-based): chr3:30,674,182, G>T. VCF-style: chr3-30674182-G-T. GRCh37 (hg19) VCF-style: chr3-30715674-G-T.
Other names: c.1407G>T, p.Gln469His (NM_001024847.3); c.1515G>T, p.Gln505His (NM_001407126.1); c.1440G>T, p.Gln480His (NM_001407127.1); c.1359G>T, p.Gln453His (NM_001407128.1); c.1335G>T, p.Gln445His (NM_001407129.1); c.1332G>T, p.Gln444His (NM_001407130.1); c.1227G>T, p.Gln409His (NM_001407132.1, NM_001407133.1, NM_001407134.1 and 2 more transcripts); c.1047G>T, p.Gln349His (NM_001407137.1); and 2 more; short protein forms Q324H, Q453H, Q480H, Q409H, Q444H, Q505H, Q349H, Q445H.
Identifiers: ClinVar variation 2788355 (VCV002788355.3), dbSNP rs775637046, ClinGen allele CA046331.